The following is an entry in ClinVar:

NM_001291303.3(FAT4):c.1469C>T (p.Pro490Leu)

Gene: FAT4 (FAT atypical cadherin 4; plus strand). Cytogenetic location: 4q28.1.
Variant type: single nucleotide variant.
Coding change: c.1469C>T on transcript NM_001291303.3 (MANE Select); coding-DNA position 1469, C replaced by T.
Protein change: p.Pro490Leu; replaces proline 490 with leucine.
Molecular consequence: missense variant. On other transcripts: intron variant (1).
Genome position (GRCh38, 1-based): chr4:125,317,880, C>T. VCF-style: chr4-125317880-C-T. GRCh37 (hg19) VCF-style: chr4-126239035-C-T.
Other names: c.1469C>T, p.Pro490Leu (NM_001291285.3, NM_001438396.1, NM_001438397.1 and 1 more transcripts); c.-55+1903C>T (NM_001437895.1); short protein forms P490L.
Identifiers: ClinVar variation 5008335 (VCV005008335.1).

ClinVar aggregate classification (germline): Uncertain significance (1 of 4 stars; one submission).

gnomAD v4.1: 1 of 1,614,152 alleles (0.000062%); highest among the groups gnomAD compares: Non-Finnish European, 0.000085%; no homozygotes.

Submission:

GeneDx
Classification: Uncertain significance. Last evaluated: 2026-03-06. Review status: criteria provided, single submitter. Criteria: GeneDx Variant Classification Process June 2021. Collection method: clinical testing. Allele origin: germline.
Comment: Not observed at significant frequency in large population cohorts (gnomAD); In silico analysis suggests that this missense variant does not alter protein structure/function; Has not been previously published as pathogenic or benign to our knowledge